The following is an entry in ClinVar:

ClinVar aggregate classification (germline): Uncertain significance (1 of 4 stars; one submission).

Conditions:
Early-infantile DEE. Also called: Ohtahara syndrome; Early infantile epileptic encephalopathy with suppression bursts; Early infantile epileptic encephalopathy. Identifiers: Orphanet 1934, MedGen C0393706, MONDO:0800491.

gnomAD v4.1: 4 of 1,613,706 alleles (0.00025%); highest among the groups gnomAD compares: Non-Finnish European, 0.00034%; no homozygotes.

Submission:

Labcorp Genetics (formerly Invitae), Labcorp
Classification: Uncertain significance for Early-infantile DEE. Last evaluated: 2022-12-06. Review status: criteria provided, single submitter. Criteria: Invitae Variant Classification Sherloc (09022015). Collection method: clinical testing. Allele origin: germline.
Comment: In summary, the available evidence is currently insufficient to determine the role of this variant in disease. Therefore, it has been classified as a Variant of Uncertain Significance. Algorithms developed to predict the effect of missense changes on protein structure and function (SIFT, PolyPhen-2, Align-GVGD) all suggest that this variant is likely to be disruptive. ClinVar contains an entry for this variant (Variation ID: 1434757). This variant has not been reported in the literature in individuals affected with ARHGEF15-related conditions. This variant is not present in population databases (gnomAD no frequency). This sequence change replaces proline, which is neutral and non-polar, with leucine, which is neutral and non-polar, at codon 400 of the ARHGEF15 protein (p.Pro400Leu).

NM_173728.4(ARHGEF15):c.1199C>T (p.Pro400Leu)

Gene: ARHGEF15 (Rho guanine nucleotide exchange factor 15; plus strand). Cytogenetic location: 17p13.1.
Variant type: single nucleotide variant.
Coding change: c.1199C>T on transcript NM_173728.4 (MANE Select); coding-DNA position 1199, C replaced by T.
Protein change: p.Pro400Leu; replaces proline 400 with leucine.
Molecular consequence: missense variant.
Genome position (GRCh38, 1-based): chr17:8,315,216, C>T. VCF-style: chr17-8315216-C-T. GRCh37 (hg19) VCF-style: chr17-8218534-C-T.
Other names: c.1199C>T, p.Pro400Leu (NM_025014.2); short protein forms P400L.
Identifiers: ClinVar variation 1434757 (VCV001434757.7), dbSNP rs2151639101, ClinGen allele CA398019500.